The following is an entry in ClinVar:

NM_015346.4(ZFYVE26):c.2559G>A (p.Leu853=)

Gene: ZFYVE26 (zinc finger FYVE-type containing 26; minus strand). Cytogenetic location: 14q24.1.
Variant type: single nucleotide variant.
Coding change: c.2559G>A on transcript NM_015346.4 (MANE Select); coding-DNA position 2559, G replaced by A.
Protein change: p.Leu853=; no amino-acid change (leucine 853 retained).
Molecular consequence: synonymous variant.
Genome position (GRCh38, 1-based): chr14:67,790,768, C>T on the plus strand (G>A on the coding strand, the complement: ZFYVE26 is on the minus strand). VCF-style: chr14-67790768-C-T. GRCh37 (hg19) VCF-style: chr14-68257485-C-T.
Other names: p.Leu853=.
Identifiers: ClinVar variation 130777 (VCV000130777.26), dbSNP rs7143196, ClinGen allele CA156051.

ClinVar aggregate classification (germline): Benign. Review status: criteria provided, multiple submitters, no conflicts (2 of 4 stars). 10 submissions from 10 submitters: Benign (9). 1 of the submissions does not count toward it. Last evaluated 2026-02-04.

Conditions:
Spastic paraplegia. Identifiers: MedGen C0037772, HP:0001258.
Hereditary spastic paraplegia. Also called: Familial spastic paraparesis. Identifiers: Orphanet 685, MedGen C0037773, MONDO:0019064. Disease mechanism: loss of function.
Hereditary spastic paraplegia 15 (SPG15). Also called: SPASTIC PARAPLEGIA AND RETINAL DEGENERATION; KJELLIN SYNDROME; SPASTIC PARAPLEGIA 15, AUTOSOMAL RECESSIVE. Identifiers: Orphanet 100996, MedGen C1849128, MONDO:0010044, OMIM 270700.

Allele frequency attached by ClinVar (database versions not stated): 1000 Genomes Project 30x 0.07464; 1000 Genomes Project 0.07468; TOPMed 0.12764; gnomAD 0.13893 and 0.14152; gnomAD exomes 0.14499 and 0.18999; ExAC 0.14558; ESP Exome Variant Server 0.15262.
gnomAD v4.1: 297,538 of 1,613,194 alleles (18%); highest among the groups gnomAD compares: Non-Finnish European, 21%; 30,501 homozygotes.

Submissions (10):

Labcorp Genetics (formerly Invitae), Labcorp
Classification: Benign for Spastic paraplegia. Last evaluated: 2026-02-04. Review status: criteria provided, single submitter. Criteria: Invitae Variant Classification Sherloc (09022015). Collection method: clinical testing. Allele origin: germline.

Blueprint Genetics
Classification: Benign. Last evaluated: 2024-11-27. Review status: criteria provided, single submitter. Criteria: ACMG Guidelines, 2015. Collection method: clinical testing. Allele origin: germline.

Genome-Nilou Lab
Classification: Benign for Hereditary spastic paraplegia 15. Last evaluated: 2021-12-05. Review status: criteria provided, single submitter. Criteria: ACMG Guidelines, 2015. Collection method: clinical testing. Allele origin: germline. Affected: no.

Illumina Laboratory Services, Illumina
Classification: Benign for Hereditary spastic paraplegia 15. Last evaluated: 2018-01-12. Review status: criteria provided, single submitter. Criteria: ICSL Variant Classification Criteria 13 December 2019. Collection method: clinical testing. Allele origin: germline.
Comment: This variant was observed in the ICSL laboratory as part of a predisposition screen in an ostensibly healthy population. It had not been previously curated by ICSL or reported in the Human Gene Mutation Database (HGMD: prior to June 1st, 2018), and was therefore a candidate for classification through an automated scoring system. Utilizing variant allele frequency, disease prevalence and penetrance estimates, and inheritance mode, an automated score was calculated to assess if this variant is too frequent to cause the disease. Based on the score and internal cut-off values, a variant classified as benign is not then subjected to further curation. The score for this variant resulted in a classification of benign for this disease.

GeneDx
Classification: Benign. Last evaluated: 2017-11-15. Review status: criteria provided, single submitter. Criteria: GeneDx Variant Classification (06012015). Collection method: clinical testing. Allele origin: germline. Affected: yes.
Comment: This variant is considered likely benign or benign based on one or more of the following criteria: it is a conservative change, it occurs at a poorly conserved position in the protein, it is predicted to be benign by multiple in silico algorithms, and/or has population frequency not consistent with disease.

Athena Diagnostics
Classification: Benign. Last evaluated: 2017-07-24. Review status: criteria provided, single submitter. Criteria: Athena Diagnostics Criteria. Collection method: clinical testing. Allele origin: germline.

Genome Diagnostics Laboratory, The Hospital for Sick Children
Classification: Benign for Hereditary spastic paraplegia. Last evaluated: 2016-12-12. Review status: criteria provided, single submitter. Criteria: ACMG Guidelines, 2015. Collection method: clinical testing. Allele origin: germline. Affected: yes.

Mayo Clinic Laboratories, Mayo Clinic
Classification: Benign. Last evaluated: 2015-09-09. Review status: criteria provided, single submitter. Criteria: ACMG Guidelines, 2015. Collection method: clinical testing. Allele origin: germline. Observed: 601 variant alleles.

Breakthrough Genomics
Classification: Benign. Review status: criteria provided, single submitter. Criteria: ACMG Guidelines, 2015. Collection method: not provided. Allele origin: germline. Inheritance: Autosomal recessive inheritance. Affected: yes.

Genetic Services Laboratory, University of Chicago
Classification: Likely benign for AllHighlyPenetrant. Review status: no assertion criteria provided. Collection method: clinical testing. Allele origin: germline. Inheritance: Autosomal recessive inheritance. Not counted in ClinVar's aggregate classification.
Comment: Likely benign based on allele frequency in 1000 Genomes Project or ESP global frequency and its presence in a patient with a rare or unrelated disease phenotype. NOT Sanger confirmed.